The following is an entry in ClinVar:

NM_001122955.4(BSCL2):c.1270G>C (p.Glu424Gln)

Genes: BSCL2 (BSCL2 lipid droplet biogenesis associated, seipin; minus strand), HNRNPUL2-BSCL2 (HNRNPUL2-BSCL2 readthrough (NMD candidate); minus strand). Cytogenetic location: 11q12.3.
Variant type: single nucleotide variant.
Coding change: c.1270G>C on transcript NM_001122955.4 (MANE Select); coding-DNA position 1270, G replaced by C.
Protein change: p.Glu424Gln; replaces glutamic acid 424 with glutamine.
Molecular consequence: missense variant. On other transcripts: non-coding transcript variant (1), 3 prime UTR variant (1).
Genome position (GRCh38, 1-based): chr11:62,690,486, C>G on the plus strand (G>C on the coding strand, the complement: BSCL2 is on the minus strand). VCF-style: chr11-62690486-C-G. GRCh37 (hg19) VCF-style: chr11-62457958-C-G.
Other names: c.*72G>C (NM_001130702.2); c.1276G>C, p.Glu426Gln (NM_001386027.1); c.1270G>C, p.Glu424Gln (NM_001386028.1); c.1078G>C, p.Glu360Gln (NM_032667.6); short protein forms E426Q, E360Q, E424Q.
Identifiers: ClinVar variation 2603659 (VCV002603659.5), dbSNP rs2539143136, ClinGen allele CA380954801.

ClinVar aggregate classification (germline): Uncertain significance. Review status: criteria provided, multiple submitters, no conflicts (2 of 4 stars). 2 submissions from 2 submitters: Uncertain significance (2). Last evaluated 2023-09-13.

Conditions:
Charcot-Marie-Tooth disease type 2. Also called: Charcot-Marie-Tooth type 2. Identifiers: Orphanet 64746, MedGen C0270914, MONDO:0018993.
Inborn genetic diseases. Identifiers: MedGen C0950123, MeSH D030342.

Submissions (2):

Ambry Genetics
Classification: Uncertain significance for Inborn genetic diseases. Last evaluated: 2023-09-13. Review status: criteria provided, single submitter. Criteria: Ambry Variant Classification Scheme 2023. Collection method: clinical testing. Allele origin: germline.

Labcorp Genetics (formerly Invitae), Labcorp
Classification: Uncertain significance for Charcot-Marie-Tooth disease type 2. Last evaluated: 2023-02-06. Review status: criteria provided, single submitter. Criteria: Invitae Variant Classification Sherloc (09022015). Collection method: clinical testing. Allele origin: germline.
Comment: This variant has not been reported in the literature in individuals affected with BSCL2-related conditions. This variant is not present in population databases (gnomAD no frequency). This sequence change replaces glutamic acid, which is acidic and polar, with glutamine, which is neutral and polar, at codon 360 of the BSCL2 protein (p.Glu360Gln). Algorithms developed to predict the effect of missense changes on protein structure and function are either unavailable or do not agree on the potential impact of this missense change (SIFT: "Deleterious"; PolyPhen-2: "Benign"; Align-GVGD: "Class C0"). In summary, the available evidence is currently insufficient to determine the role of this variant in disease. Therefore, it has been classified as a Variant of Uncertain Significance.